The following is an entry in ClinVar:

NM_012203.2(GRHPR):c.288-11C>T

Gene: GRHPR (glyoxylate and hydroxypyruvate reductase; plus strand). Cytogenetic location: 9p13.2.
Variant type: single nucleotide variant.
Coding change: c.288-11C>T on transcript NM_012203.2 (MANE Select); 11 bases into the intron before coding-DNA position 288, C replaced by T.
Molecular consequence: intron variant.
Genome position (GRCh38, 1-based): chr9:37,426,527, C>T. VCF-style: chr9-37426527-C-T. GRCh37 (hg19) VCF-style: chr9-37426524-C-T.
Identifiers: ClinVar variation 204220 (VCV000204220.28), dbSNP rs2736664, ClinGen allele CA275869.

ClinVar aggregate classification (germline): Benign. Review status: criteria provided, multiple submitters, no conflicts (2 of 4 stars). 11 submissions from 11 submitters: Benign (8). 3 of the submissions do not count toward it. Last evaluated 2026-02-04.

Conditions:
Primary hyperoxaluria, type II (HP2). Also called: D-GLYCERATE DEHYDROGENASE DEFICIENCY; GLYCERIC ACIDURIA; GLYOXYLATE REDUCTASE/HYDROXYPYRUVATE REDUCTASE DEFICIENCY; Primary hyperoxaluria type 2; OXALOSIS II. Identifiers: Orphanet 416, Orphanet 93599, MedGen C0268165, MONDO:0009824, OMIM 260000. Disease mechanism: loss of function.

Allele frequency attached by ClinVar (database versions not stated): 1000 Genomes Project 30x 0.91427; 1000 Genomes Project 0.91953; TOPMed 0.92188; ESP Exome Variant Server 0.92211; gnomAD 0.92549 and 0.93020; ExAC 0.97642; gnomAD exomes 0.97987 and 0.99186.
gnomAD v4.1: 1,525,458 of 1,547,970 alleles (99%); highest among the groups gnomAD compares: East Asian, 100%; 753,636 homozygotes.

Submissions (11):

Labcorp Genetics (formerly Invitae), Labcorp
Classification: Benign. Last evaluated: 2026-02-04. Review status: criteria provided, single submitter. Criteria: Invitae Variant Classification Sherloc (09022015). Collection method: clinical testing. Allele origin: germline.

Blueprint Genetics
Classification: Benign. Last evaluated: 2024-11-27. Review status: criteria provided, single submitter. Criteria: ACMG Guidelines, 2015. Collection method: clinical testing. Allele origin: germline.

Genome-Nilou Lab
Classification: Benign for Primary hyperoxaluria, type II. Last evaluated: 2021-07-10. Review status: criteria provided, single submitter. Criteria: ACMG Guidelines, 2015. Collection method: clinical testing. Allele origin: germline. Affected: no.

Illumina Laboratory Services, Illumina
Classification: Benign for Primary hyperoxaluria, type II. Last evaluated: 2018-01-13. Review status: criteria provided, single submitter. Criteria: ICSL Variant Classification Criteria 13 December 2019. Collection method: clinical testing. Allele origin: germline.
Comment: This variant was observed in the ICSL laboratory as part of a predisposition screen in an ostensibly healthy population. It had not been previously curated by ICSL or reported in the Human Gene Mutation Database (HGMD: prior to June 1st, 2018), and was therefore a candidate for classification through an automated scoring system. Utilizing variant allele frequency, disease prevalence and penetrance estimates, and inheritance mode, an automated score was calculated to assess if this variant is too frequent to cause the disease. Based on the score and internal cut-off values, a variant classified as benign is not then subjected to further curation. The score for this variant resulted in a classification of benign for this disease.

GeneDx
Classification: Benign. Last evaluated: 2016-10-27. Review status: criteria provided, single submitter. Criteria: GeneDx Variant Classification (06012015). Collection method: clinical testing. Allele origin: germline. Affected: yes.
Comment: This variant is considered likely benign or benign based on one or more of the following criteria: it is a conservative change, it occurs at a poorly conserved position in the protein, it is predicted to be benign by multiple in silico algorithms, and/or has population frequency not consistent with disease.

Laboratory for Molecular Medicine, Mass General Brigham Personalized Medicine
Classification: Benign. Last evaluated: 2016-02-02. Review status: criteria provided, single submitter. Criteria: LMM Criteria. Collection method: clinical testing. Allele origin: germline. Observed: 1 variant allele.
Comment: This is a RefSeq error. The reference base (c.288-11C) is the minor allele. This allele (C) has been identified in 23.8% (2472/10406) of African chromosomes by the Exome Aggregation Consortium (ExAC; dbSNP rs 2736664) and thus meets criteria to be classified as benign.

Breakthrough Genomics
Classification: Benign. Review status: criteria provided, single submitter. Criteria: ACMG Guidelines, 2015. Collection method: not provided. Allele origin: germline. Inheritance: Autosomal recessive inheritance. Affected: yes.

PreventionGenetics, part of Exact Sciences
Classification: Benign. Review status: criteria provided, single submitter. Criteria: ACMG Guidelines, 2015. Collection method: clinical testing. Allele origin: germline.

Clinical Biochemistry Laboratory, Health Services Laboratory
Classification: Uncertain significance for Primary hyperoxaluria, type II. Last evaluated: 2014-11-27. Review status: no assertion criteria provided. Collection method: research. Allele origin: germline. Affected: yes. Not counted in ClinVar's aggregate classification.

Diagnostic Laboratory, Department of Genetics, University Medical Center Groningen
Classification: Benign. Review status: no assertion criteria provided. Collection method: clinical testing. Allele origin: germline. Affected: yes. Study: VKGL Data-share Consensus. Not counted in ClinVar's aggregate classification.

Joint Genome Diagnostic Labs from Nijmegen and Maastricht, Radboudumc and MUMC+
Classification: Benign. Review status: no assertion criteria provided. Collection method: clinical testing. Allele origin: germline. Affected: yes. Study: VKGL Data-share Consensus. Not counted in ClinVar's aggregate classification.

Literature cited by the submitters: PubMed 26484032 (cited by Laboratory for Molecular Medicine, Mass General Brigham Personalized Medicine).